The following is an entry in ClinVar:

ClinVar aggregate classification (germline): Conflicting classifications of pathogenicity. Review status: criteria provided, conflicting classifications (1 of 4 stars). 2 submissions from 2 submitters: Uncertain significance (1); Likely benign (1). Last evaluated 2026-08-01.

Conditions:
Autosomal recessive limb-girdle muscular dystrophy type 2J (LGMDR10). Also called: MUSCULAR DYSTROPHY, LIMB-GIRDLE, AUTOSOMAL RECESSIVE 10; Limb-girdle muscular dystrophy, type 2J. Identifiers: Orphanet 140922, MedGen C1837342, MONDO:0012127, OMIM 608807.
Dilated cardiomyopathy 1G (CMD1G). Identifiers: Orphanet 154, MedGen C1858763, MONDO:0011400, OMIM 604145.

Allele frequency attached by ClinVar (database versions not stated): TOPMed 0.00002; 1000 Genomes Project 30x 0.00031; 1000 Genomes Project 0.00040.
gnomAD v4.1: 71 of 1,613,302 alleles (0.0044%); highest among the groups gnomAD compares: Admixed American, 0.023%; no homozygotes.

Submissions (2):

CeGaT Center for Human Genetics Tuebingen
Classification: Likely benign. Last evaluated: 2026-08-01. Review status: criteria provided, single submitter. Criteria: CeGaT Center For Human Genetics Tuebingen Variant Classification Criteria Version 2. Collection method: clinical testing. Allele origin: germline. Affected: yes. Observed: 1 variant allele.
Comment: TTN: BP4

Labcorp Genetics (formerly Invitae), Labcorp
Classification: Uncertain significance for Dilated cardiomyopathy 1G; Autosomal recessive limb-girdle muscular dystrophy type 2J. Last evaluated: 2017-08-12. Review status: criteria provided, single submitter. Criteria: Invitae Variant Classification Sherloc (09022015). Collection method: clinical testing. Allele origin: germline.

NM_001267550.2(TTN):c.60490G>A (p.Val20164Ile)

Genes: TTN (titin; minus strand), TTN-AS1 (TTN antisense RNA 1; plus strand). Cytogenetic location: 2q31.2.
Variant type: single nucleotide variant.
Coding change: c.60490G>A on transcript NM_001267550.2 (MANE Select); coding-DNA position 60490, G replaced by A.
Protein change: p.Val20164Ile; replaces valine 20164 with isoleucine.
Molecular consequence: missense variant. On other transcripts: non-coding transcript variant (1).
Genome position (GRCh38, 1-based): chr2:178,591,235, C>T on the plus strand (G>A on the coding strand, the complement: TTN is on the minus strand). VCF-style: chr2-178591235-C-T. GRCh37 (hg19) VCF-style: chr2-179455962-C-T.
Other names: c.55567G>A, p.Val18523Ile (NM_001256850.1); c.33295G>A, p.Val11099Ile (NM_003319.4); c.52786G>A, p.Val17596Ile (NM_133378.4); c.33670G>A, p.Val11224Ile (NM_133432.3); c.33871G>A, p.Val11291Ile (NM_133437.4); short protein forms V20164I, V11224I, V11291I, V11099I, V17596I, V18523I.
Identifiers: ClinVar variation 535347 (VCV000535347.4), dbSNP rs72646843, ClinGen allele CA1992482.